The following is an entry in ClinVar:

NM_001448.3(GPC4):c.847G>T (p.Asp283Tyr)

Gene: GPC4 (glypican 4; minus strand). Cytogenetic location: Xq26.2.
Variant type: single nucleotide variant.
Coding change: c.847G>T on transcript NM_001448.3 (MANE Select); coding-DNA position 847, G replaced by T.
Protein change: p.Asp283Tyr; replaces aspartic acid 283 with tyrosine.
Molecular consequence: missense variant.
Genome position (GRCh38, 1-based): chrX:133,311,288, C>A on the plus strand (G>T on the coding strand, the complement: GPC4 is on the minus strand). VCF-style: chrX-133311288-C-A. GRCh37 (hg19) VCF-style: chrX-132445316-C-A.
Other names: NC_000023.10:g.132445316C>A; short protein forms D283Y.
Identifiers: ClinVar variation 2575746 (VCV002575746.2), dbSNP rs928201352, ClinGen allele CA335949728.

ClinVar aggregate classification (germline): Uncertain significance (1 of 4 stars; one submission).

Allele frequency attached by ClinVar (database versions not stated): gnomAD 0.00001; TOPMed 0.00001.
gnomAD v4.1: 3 of 1,210,081 alleles (0.00025%); highest among the groups gnomAD compares: Non-Finnish European, 0.00034%; no homozygotes.

Submissions (2):

GeneDx
Classification: Uncertain significance. Last evaluated: 2023-02-12. Review status: criteria provided, single submitter. Criteria: GeneDx Variant Classification Process June 2021. Collection method: clinical testing. Allele origin: germline. Affected: yes.
Comment: Not observed at significant frequency in large population cohorts (gnomAD); In silico analysis supports that this missense variant has a deleterious effect on protein structure/function; Has not been previously published as pathogenic or benign to our knowledge

Dr. Peter K. Rogan Lab, Western University
No classification provided (evidence only). Condition: Thyroid cancer, nonmedullary, 1. Review status: no classification provided. Collection method: in vitro. Allele origin: not applicable. Functional consequence: retained intron. Not counted in ClinVar's aggregate classification.